The following is an entry in ClinVar:

NM_000214.3(JAG1):c.635G>C (p.Cys212Ser)

Gene: JAG1 (jagged canonical Notch ligand 1; minus strand). Cytogenetic location: 20p12.2.
Variant type: single nucleotide variant.
Coding change: c.635G>C on transcript NM_000214.3 (MANE Select); coding-DNA position 635, G replaced by C.
Protein change: p.Cys212Ser; replaces cysteine 212 with serine.
Molecular consequence: missense variant.
Genome position (GRCh38, 1-based): chr20:10,658,527, C>G on the plus strand (G>C on the coding strand, the complement: JAG1 is on the minus strand). VCF-style: chr20-10658527-C-G. GRCh37 (hg19) VCF-style: chr20-10639175-C-G.
Other names: short protein forms C212S.
Identifiers: ClinVar variation 1753050 (VCV001753050.2), dbSNP rs2514526468, ClinGen allele CA408240027.

ClinVar aggregate classification (germline): Uncertain significance (1 of 4 stars; one submission).

Conditions:
Cardiovascular phenotype. Identifiers: MedGen CN230736.

Submission:

Ambry Genetics
Classification: Uncertain significance for Cardiovascular phenotype. Last evaluated: 2016-03-17. Review status: criteria provided, single submitter. Criteria: Ambry Variant Classification Scheme 2023. Collection method: clinical testing. Allele origin: germline.
Comment: The p.C212S variant (also known as c.635G>C), located in coding exon 4 of the JAG1 gene, results from a G to C substitution at nucleotide position 635. The cysteine at codon 212 is replaced by serine, an amino acid with dissimilar properties. This variant was not reported in population based cohorts in the following databases: Database of Single Nucleotide Polymorphisms (dbSNP), NHLBI Exome Sequencing Project (ESP), and 1000 Genomes Project. In the ESP, this variant was not observed in 6503 samples (13006 alleles) with coverage at this position. This amino acid position is highly conserved in available vertebrate species. In addition, this alteration is predicted to be deleterious by in silico analysis. Since supporting evidence is limited at this time, the clinical significance of this variant remains unclear.